The following is an entry in ClinVar:

NM_013372.7(GREM1):c.393C>G (p.Ile131Met)

Gene: GREM1 (gremlin 1, DAN family BMP antagonist; plus strand). Cytogenetic location: 15q13.3.
Variant type: single nucleotide variant.
Coding change: c.393C>G on transcript NM_013372.7 (MANE Select); coding-DNA position 393, C replaced by G.
Protein change: p.Ile131Met; replaces isoleucine 131 with methionine.
Molecular consequence: missense variant.
Genome position (GRCh38, 1-based): chr15:32,731,083, C>G. VCF-style: chr15-32731083-C-G. GRCh37 (hg19) VCF-style: chr15-33023284-C-G.
Other names: c.183C>G, p.Ile61Met (NM_001191322.2); c.270C>G, p.Ile90Met (NM_001191323.2); c.393C>G, p.Ile131Met (NM_001368719.1); short protein forms I61M, I131M, I90M.
Identifiers: ClinVar variation 1736325 (VCV001736325.2), dbSNP rs1195646708, ClinGen allele CA391557847.

ClinVar aggregate classification (germline): Uncertain significance (1 of 4 stars; one submission).

Conditions:
Hereditary cancer-predisposing syndrome. Also called: Neoplastic Syndromes, Hereditary; Tumor predisposition; Hereditary Cancer Syndrome; Hereditary neoplastic syndrome. Identifiers: Orphanet 140162, MedGen C0027672, MeSH D009386, MONDO:0015356.

Submission:

Ambry Genetics
Classification: Uncertain significance for Hereditary cancer-predisposing syndrome. Last evaluated: 2022-10-24. Review status: criteria provided, single submitter. Criteria: Ambry Variant Classification Scheme 2023. Collection method: clinical testing. Allele origin: germline.
Comment: The p.I131M variant (also known as c.393C>G), located in coding exon 1 of the GREM1 gene, results from a C to G substitution at nucleotide position 393. The isoleucine at codon 131 is replaced by methionine, an amino acid with highly similar properties. This amino acid position is conserved. In addition, this alteration is predicted to be tolerated by in silico analysis. Since supporting evidence is limited at this time, the clinical significance of this alteration remains unclear.